The following is an entry in ClinVar:

ClinVar aggregate classification (germline): Likely benign (1 of 4 stars; one submission).

Submission:

GeneDx
Classification: Likely benign. Last evaluated: 2017-06-09. Review status: criteria provided, single submitter. Criteria: GeneDx Variant Classification (06012015). Collection method: clinical testing. Allele origin: germline. Affected: yes.
Comment: This variant is considered likely benign or benign based on one or more of the following criteria: it is a conservative change, it occurs at a poorly conserved position in the protein, it is predicted to be benign by multiple in silico algorithms, and/or has population frequency not consistent with disease.

NM_025219.3(DNAJC5):c.-35GCGG[5]

Gene: DNAJC5 (DnaJ heat shock protein family (Hsp40) member C5; plus strand). Cytogenetic location: 20q13.33.
Variant type: Microsatellite.
Coding change: c.-35GCGG[5] on transcript NM_025219.3 (MANE Select); five copies in a row of the 4-base unit GCGG starting at c.-35; the reference has four copies in a row; one copy, 4 bases duplicated.
Molecular consequence: 5 prime UTR variant.
Genome position (GRCh38, 1-based): chr20:63,895,312-63,895,315, GCGG duplicated; duplicating any 4 consecutive bases within chr20:63,895,298-63,895,315 gives the same sequence; the position shown is the placement nearest the transcript's 3' end. VCF-style (leftmost placement, unchanged base first): chr20-63895297-A-AGGGC. GRCh37 (hg19) VCF-style: chr20-62526650-A-AGGGC.
Identifiers: ClinVar variation 516418 (VCV000516418.1), dbSNP rs917983556, ClinGen allele CA636373855.
Genomic context (GRCh38, chr20:63,895,297, plus strand): 5'-TGCGTCGGCCGCTGCCCAGCAGCGCCGCGAATCGGGGAGCGGAGCCGCGGAGCCGGCGGG[A>AGGGC]GGGCGGGCGGGCGGGCGGACGGGCAGGTGAGCTCGCTGCGGGTCGGGCGGGCGGATCGGC-3'